The following is an entry in ClinVar:

ClinVar aggregate classification (germline): Likely benign. Review status: criteria provided, single submitter (1 of 4 stars). 2 submissions from 2 submitters: Likely benign (1). 1 of the submissions does not count toward it. Last evaluated 2018-01-13.

Conditions:
Essential fructosuria. Also called: HEPATIC FRUCTOKINASE DEFICIENCY; KETOHEXOKINASE DEFICIENCY. Identifiers: Orphanet 2056, MedGen C0268160, MONDO:0009252, OMIM 229800.
KHK-related disorder. Also called: KHK-related condition.

Allele frequency attached by ClinVar (database versions not stated): 1000 Genomes Project 0.00200; TOPMed 0.00246; 1000 Genomes Project 30x 0.00203; ESP Exome Variant Server 0.00200; gnomAD 0.00224 and 0.00227; gnomAD exomes 0.00057 and 0.00112; ExAC 0.00132.
gnomAD v4.1: 1,205 of 1,614,108 alleles (0.075%); highest among the groups gnomAD compares: African/African-American, 0.61%; 7 homozygotes.

Submissions (2):

Illumina Laboratory Services, Illumina
Classification: Likely benign for Essential fructosuria. Last evaluated: 2018-01-13. Review status: criteria provided, single submitter. Criteria: ICSL Variant Classification Criteria 13 December 2019. Collection method: clinical testing. Allele origin: germline.
Comment: This variant was observed in the ICSL laboratory as part of a predisposition screen in an ostensibly healthy population. It had not been previously curated by ICSL or reported in the Human Gene Mutation Database (HGMD: prior to June 1st, 2018), and was therefore a candidate for classification through an automated scoring system. Utilizing variant allele frequency, disease prevalence and penetrance estimates, and inheritance mode, an automated score was calculated to assess if this variant is too frequent to cause the disease. Based on the score and internal cut-off values, a variant classified as likely benign is not then subjected to further curation. The score for this variant resulted in a classification of likely benign for this disease.

PreventionGenetics, part of Exact Sciences
Classification: Likely benign for KHK-related condition. Last evaluated: 2019-08-15. Review status: no assertion criteria provided. Collection method: clinical testing. Allele origin: germline. Not counted in ClinVar's aggregate classification.
Comment: This variant is classified as likely benign based on ACMG/AMP sequence variant interpretation guidelines (Richards et al. 2015 PMID: 25741868, with internal and published modifications).

NM_006488.3(KHK):c.527G>A (p.Arg176Gln)

Gene: KHK (ketohexokinase; plus strand). Cytogenetic location: 2p23.3.
Variant type: single nucleotide variant.
Coding change: c.527G>A on transcript NM_006488.3 (MANE Select); coding-DNA position 527, G replaced by A.
Protein change: p.Arg176Gln; replaces arginine 176 with glutamine.
Molecular consequence: missense variant.
Genome position (GRCh38, 1-based): chr2:27,097,612, G>A. VCF-style: chr2-27097612-G-A. GRCh37 (hg19) VCF-style: chr2-27320480-G-A.
Other names: c.527G>A, p.Arg176Gln (NM_000221.3); short protein forms R176Q.
Identifiers: ClinVar variation 335493 (VCV000335493.7), dbSNP rs143669793, ClinGen allele CA1569326.